The following is an entry in ClinVar:

ClinVar aggregate classification (germline): Likely benign (1 of 4 stars; one submission).

Conditions:
Breast-ovarian cancer, familial, susceptibility to, 1 (BROVCA1). Also called: OVARIAN CANCER, SUSCEPTIBILITY TO; BRCA1 Hereditary Breast and Ovarian Cancer. Identifiers: Orphanet 145, MedGen C2676676, MONDO:0011450, OMIM 604370. Disease mechanism: loss of function.

gnomAD v4.1: 1 of 1,613,924 alleles (0.000062%); highest among the groups gnomAD compares: South Asian, 0.0011%; no homozygotes.

Submission:

Cancer Bioinformatics and Tumour Evolution Laboratory, Monash University
Classification: Likely benign for Breast-ovarian cancer, familial, susceptibility to, 1. Last evaluated: 2026-05-01. Review status: criteria provided, single submitter. Criteria: ClinGen BRCA1 and BRCA2 Guidelines, 2024. Collection method: curation. Allele origin: germline. Inheritance: Autosomal dominant inheritance.
Comment: Missense variant outside of a functional domain with no splice impact. BRCA1 and BRCA2 VCEP guidelines recommend application of BP1_Strong (PMID: 39142283)

NM_007294.4(BRCA1):c.3191G>A (p.Ser1064Asn)

Gene: BRCA1 (BRCA1 DNA repair associated; minus strand). Cytogenetic location: 17q21.31.
Variant type: single nucleotide variant.
Coding change: c.3191G>A on transcript NM_007294.4 (MANE Select); coding-DNA position 3191, G replaced by A.
Protein change: p.Ser1064Asn; replaces serine 1064 with asparagine.
Molecular consequence: missense variant. On other transcripts: intron variant (137).
Genome position (GRCh38, 1-based): chr17:43,092,340, C>T on the plus strand (G>A on the coding strand, the complement: BRCA1 is on the minus strand). VCF-style: chr17-43092340-C-T. GRCh37 (hg19) VCF-style: chr17-41244357-C-T.
Other names: c.2981G>A, p.Ser994Asn (NM_001407887.1, NM_001407889.1, NM_001407900.1 and 13 more transcripts); c.2978G>A, p.Ser993Asn (NM_001407894.1, NM_001407895.1, NM_001407896.1 and 9 more transcripts); c.2924G>A, p.Ser975Asn (NM_001407934.1, NM_001407936.1, NM_001407930.1 and 2 more transcripts); c.2927G>A, p.Ser976Asn (NM_001407935.1, NM_001407920.1, NM_001407921.1 and 9 more transcripts); c.3068G>A, p.Ser1023Asn (NM_001407937.1, NM_001407938.1, NM_001407939.1 and 19 more transcripts); c.3065G>A, p.Ser1022Asn (NM_001407940.1, NM_001407941.1, NM_001407649.1 and 11 more transcripts); c.3050G>A, p.Ser1017Asn (NM_001407942.1, NM_001407850.1, NM_001407851.1 and 29 more transcripts); c.3047G>A, p.Ser1016Asn (NM_001407943.1, NM_001407847.1, NM_001407848.1 and 20 more transcripts); and 41 more; short protein forms S1016N, S1017N, S1022N, S1023N, S1037N, S1038N, S1061N, S1063N.
Identifiers: ClinVar variation 4856428 (VCV004856428.1).
Genomic context (GRCh38, chr17:43,092,340, plus strand): 5'-AGCATAGCATTCAATTTTGGCCCTCTGTTTCTACCTAGTTCTGCTTGAATGTTTTCATCA[C>T]TGGAACCTATTTCATTAATACTGGAGCCCACTTCATTAGTACTGGAACCTACTTCATTAA-3'
Protein context (NP_009225.1, residues 1054-1074): VGSSINEIGS[Ser1064Asn]DENIQAELGR